The following is an entry in ClinVar:

ClinVar aggregate classification (germline): Conflicting classifications of pathogenicity. Review status: criteria provided, conflicting classifications (1 of 4 stars). 6 submissions from 5 submitters: Uncertain significance (4); Benign (1). 1 of the submissions does not count toward it. Last evaluated 2026-01-24.

Conditions:
Macrothrombocytopenia and granulocyte inclusions with or without nephritis or sensorineural hearing loss (MATINS). Also called: BLEEDING DISORDER, PLATELET-TYPE, 6; SEBASTIAN PLATELET SYNDROME; MACROTHROMBOCYTOPENIA WITH DISPERSED LEUKOCYTIC INCLUSIONS; DOHLE LEUKOCYTE INCLUSIONS WITH GIANT PLATELETS; MACROTHROMBOCYTOPENIA WITH LEUKOCYTE INCLUSIONS; MYH9-Related Disease (MYH9-RD). Identifiers: Orphanet 182050, MedGen C5200934, MONDO:0015912, OMIM 155100.
MYH9-related disorder. Identifiers: MedGen C1854520.
Autosomal dominant nonsyndromic hearing loss 17. Also called: Autosomal dominant nonsyndromic deafness 17; Deafness, autosomal dominant 17. Identifiers: Orphanet 90635, MedGen C1863659, MONDO:0011350, OMIM 603622.

Allele frequency attached by ClinVar (database versions not stated): gnomAD 0.00001; gnomAD exomes 0.00001 and 0.00002; TOPMed 0.00002; ExAC 0.00003.
gnomAD v4.1: 21 of 1,613,670 alleles (0.0013%); highest among the groups gnomAD compares: Admixed American, 0.0067%; no homozygotes.

Submissions (6):

Labcorp Genetics (formerly Invitae), Labcorp
Classification: Benign. Last evaluated: 2026-01-24. Review status: criteria provided, single submitter. Criteria: Invitae Variant Classification Sherloc (09022015). Collection method: clinical testing. Allele origin: germline.

Fulgent Genetics
Classification: Uncertain significance for Macrothrombocytopenia and granulocyte inclusions with or without nephritis or sensorineural hearing loss; Autosomal dominant nonsyndromic hearing loss 17. Last evaluated: 2024-01-23. Review status: criteria provided, single submitter. Criteria: ACMG Guidelines, 2015. Collection method: clinical testing. Allele origin: germline.

Centre for Mendelian Genomics, University Medical Centre Ljubljana
Classification: Uncertain significance for Macrothrombocytopenia and granulocyte inclusions with or without nephritis or sensorineural hearing loss. Last evaluated: 2019-05-09. Review status: criteria provided, single submitter. Criteria: ACMG Guidelines, 2015. Collection method: clinical testing. Allele origin: unknown. Affected: yes.
Comment: This variant was classified as: Uncertain significance. The available evidence on this variant's pathogenicity is insufficient or conflicting. The following ACMG criteria were applied in classifying this variant: BP4.

Illumina Laboratory Services, Illumina
Classification: Uncertain significance for Autosomal dominant nonsyndromic hearing loss 17. Last evaluated: 2018-01-12. Review status: criteria provided, single submitter. Criteria: ICSL Variant Classification Criteria 13 December 2019. Collection method: clinical testing. Allele origin: germline.

Illumina Laboratory Services, Illumina
Classification: Uncertain significance for MYH9-related disorder. Last evaluated: 2018-01-12. Review status: criteria provided, single submitter. Criteria: ICSL Variant Classification Criteria 13 December 2019. Collection method: clinical testing. Allele origin: germline.

Bioscientia Institut fuer Medizinische Diagnostik GmbH, Sonic Healthcare
Classification: Uncertain significance for Macrothrombocytopenia and granulocyte inclusions with or without nephritis or sensorineural hearing loss. Last evaluated: 2019-05-02. Review status: no assertion criteria provided. Collection method: clinical testing. Allele origin: germline. Affected: yes. Not counted in ClinVar's aggregate classification.

NM_002473.6(MYH9):c.5671G>A (p.Ala1891Thr)

Gene: MYH9 (myosin heavy chain 9; minus strand). Cytogenetic location: 22q12.3.
Variant type: single nucleotide variant.
Coding change: c.5671G>A on transcript NM_002473.6 (MANE Select); coding-DNA position 5671, G replaced by A.
Protein change: p.Ala1891Thr; replaces alanine 1891 with threonine.
Molecular consequence: missense variant.
Genome position (GRCh38, 1-based): chr22:36,284,187, C>T on the plus strand (G>A on the coding strand, the complement: MYH9 is on the minus strand). VCF-style: chr22-36284187-C-T. GRCh37 (hg19) VCF-style: chr22-36680233-C-T.
Other names: short protein forms A1891T.
Identifiers: ClinVar variation 829957 (VCV000829957.17), dbSNP rs748946434, ClinGen allele CA10208968.